The following is an entry in ClinVar:

NM_017654.4(SAMD9):c.4268G>T (p.Gly1423Val)

Gene: SAMD9 (sterile alpha motif domain containing 9; minus strand). Cytogenetic location: 7q21.2.
Variant type: single nucleotide variant.
Coding change: c.4268G>T on transcript NM_017654.4 (MANE Select); coding-DNA position 4268, G replaced by T.
Protein change: p.Gly1423Val; replaces glycine 1423 with valine.
Molecular consequence: missense variant.
Genome position (GRCh38, 1-based): chr7:93,101,830, C>A on the plus strand (G>T on the coding strand, the complement: SAMD9 is on the minus strand). VCF-style: chr7-93101830-C-A. GRCh37 (hg19) VCF-style: chr7-92731143-C-A.
Other names: c.4268G>T, p.Gly1423Val (NM_001193307.2); short protein forms G1423V.
Identifiers: ClinVar variation 3792051 (VCV003792051.1).
Genomic context (GRCh38, chr7:93,101,830, plus strand): 5'-TTTTCTGGCCAGAATAAGAGGGAAGCTAGAAAATACGGTTCTGAAAACTGATAAGTCAGT[C>A]CTATTGGTTGCAAGACTTCTCGAAGCTGATCTTTTAGTTTTTCAACTGGCTTTACTAATC-3'
Protein context (NP_060124.2, residues 1413-1433): DQLREVLQPI[Gly1423Val]LTYQFSEPYF

ClinVar aggregate classification (germline): Uncertain significance (1 of 4 stars; one submission).

Conditions:
Inborn genetic diseases. Identifiers: MedGen C0950123, MeSH D030342.

Submission:

Ambry Genetics
Classification: Uncertain significance for Inborn genetic diseases. Last evaluated: 2025-02-05. Review status: criteria provided, single submitter. Criteria: Ambry Variant Classification Scheme 2023. Collection method: clinical testing. Allele origin: germline.
Comment: The p.G1423V variant (also known as c.4268G>T), located in coding exon 1 of the SAMD9 gene, results from a G to T substitution at nucleotide position 4268. The glycine at codon 1423 is replaced by valine, an amino acid with dissimilar properties. This amino acid position is conserved. In addition, this alteration is predicted to be tolerated by in silico analysis. Based on the available evidence, the clinical significance of this variant remains unclear.